The following is an entry in ClinVar:

NM_003126.4(SPTA1):c.3839A>G (p.Asp1280Gly)

Gene: SPTA1 (spectrin alpha, erythrocytic 1; minus strand). Cytogenetic location: 1q23.1.
Variant type: single nucleotide variant.
Coding change: c.3839A>G on transcript NM_003126.4 (MANE Select); coding-DNA position 3839, A replaced by G.
Protein change: p.Asp1280Gly; replaces aspartic acid 1280 with glycine.
Molecular consequence: missense variant.
Genome position (GRCh38, 1-based): chr1:158,647,596, T>C on the plus strand (A>G on the coding strand, the complement: SPTA1 is on the minus strand). VCF-style: chr1-158647596-T-C. GRCh37 (hg19) VCF-style: chr1-158617386-T-C.
Other names: short protein forms D1280G.
Identifiers: ClinVar variation 292989 (VCV000292989.13), dbSNP rs200890386, ClinGen allele CA1182921.

ClinVar aggregate classification (germline): Conflicting classifications of pathogenicity. Review status: criteria provided, conflicting classifications (1 of 4 stars). 7 submissions from 5 submitters: Uncertain significance (5); Likely benign (1). 1 of the submissions does not count toward it. Last evaluated 2025-10-03.

Conditions:
Hereditary spherocytosis type 3. Also called: Spherocytosis type 3; SPTA1-Related Spherocytosis. Identifiers: Orphanet 822, MedGen C2678338, MONDO:0010053, OMIM 270970.
Elliptocytosis 2 (EL2). Also called: ELLIPTOCYTOSIS, RHESUS-UNLINKED TYPE. Identifiers: Orphanet 288, MedGen C1851741, MONDO:0007533, OMIM 130600.
Pyropoikilocytosis, hereditary. Also called: Pyropoikilocytosis. Identifiers: MedGen C0520739, MONDO:0009948, OMIM 266140, HP:0004839. Disease mechanism: loss of function.

Allele frequency attached by ClinVar (database versions not stated): gnomAD exomes 0.00026 and 0.00027; TOPMed 0.00028; gnomAD 0.00029 and 0.00031; ExAC 0.00032; ESP Exome Variant Server 0.00073.
gnomAD v4.1: 425 of 1,613,742 alleles (0.026%); highest among the groups gnomAD compares: Non-Finnish European, 0.034%; no homozygotes.

Submissions (7):

Labcorp Genetics (formerly Invitae), Labcorp
Classification: Likely benign. Last evaluated: 2025-10-03. Review status: criteria provided, single submitter. Criteria: Invitae Variant Classification Sherloc (09022015). Collection method: clinical testing. Allele origin: germline.

Revvity Omics, Revvity
Classification: Uncertain significance. Last evaluated: 2024-09-10. Review status: criteria provided, single submitter. Criteria: ACMG Guidelines, 2015. Collection method: clinical testing. Allele origin: germline.

Ambry Genetics
Classification: Uncertain significance. Last evaluated: 2022-12-01. Review status: criteria provided, single submitter. Criteria: Ambry Variant Classification Scheme 2023. Collection method: clinical testing. Allele origin: germline.

Illumina Laboratory Services, Illumina
Classification: Uncertain significance for Pyropoikilocytosis, hereditary. Last evaluated: 2018-01-12. Review status: criteria provided, single submitter. Criteria: ICSL Variant Classification Criteria 13 December 2019. Collection method: clinical testing. Allele origin: germline.

Illumina Laboratory Services, Illumina
Classification: Uncertain significance for Hereditary spherocytosis type 3. Last evaluated: 2018-01-12. Review status: criteria provided, single submitter. Criteria: ICSL Variant Classification Criteria 13 December 2019. Collection method: clinical testing. Allele origin: germline.

Illumina Laboratory Services, Illumina
Classification: Uncertain significance for Elliptocytosis 2. Last evaluated: 2018-01-12. Review status: criteria provided, single submitter. Criteria: ICSL Variant Classification Criteria 13 December 2019. Collection method: clinical testing. Allele origin: germline.

Department of Pathology and Laboratory Medicine, Sinai Health System
Classification: Uncertain significance. Review status: no assertion criteria provided. Collection method: clinical testing. Allele origin: unknown. Affected: yes. Study: The Canadian Open Genetics Repository (COGR). Not counted in ClinVar's aggregate classification.
Comment: The SPTA1 p.Asp1280Gly variant was not identified in the literature nor was it identified in Cosmic or LOVD 3.0. The variant was identified in dbSNP (ID: rs200890386) and ClinVar (classified as a VUS by Illumina). The variant was identified in control databases in 77 of 280580 chromosomes (0 homozygous) at a frequency of 0.000274 (Genome Aggregation Database March 6, 2019, v2.1.1). The variant was observed in the following populations: European (non-Finnish) in 74 of 128400 chromosomes (freq: 0.000576), African in 2 of 24192 chromosomes (freq: 0.000083) and European (Finnish) in 1 of 25038 chromosomes (freq: 0.00004), but was not observed in the Latino, Ashkenazi Jewish, East Asian, Other, and South Asian populations. The p.Asp1280 residue is conserved in mammals and computational analyses (PolyPhen-2, SIFT, AlignGVGD, BLOSUM, MutationTaster) provide inconsistent predictions regarding the impact to the protein; this information is not very predictive of pathogenicity. The variant occurs outside of the splicing consensus sequence and 2 of 4 in silico or computational prediction software programs (SpliceSiteFinder, MaxEntScan, NNSPLICE, GeneSplicer) predict a greater than 10% difference in splicing; this is not very predictive of pathogenicity. In summary, based on the above information the clinical significance of this variant cannot be determined with certainty at this time. This variant is classified as a variant of uncertain significance.